The following is an entry in ClinVar:

ClinVar aggregate classification (germline): Uncertain significance. Review status: criteria provided, multiple submitters, no conflicts (2 of 4 stars). 6 submissions from 6 submitters: Uncertain significance (6). Last evaluated 2024-10-29.

Conditions:
Fanconi anemia complementation group O. Also called: RAD51C-Related Fanconi Anemia. Identifiers: Orphanet 84, MedGen C3150653, MONDO:0013248, OMIM 613390.
Hereditary cancer-predisposing syndrome. Also called: Hereditary neoplastic syndrome; Neoplastic Syndromes, Hereditary; Tumor predisposition; Hereditary Cancer Syndrome. Identifiers: Orphanet 140162, MedGen C0027672, MeSH D009386, MONDO:0015356.
Breast-ovarian cancer, familial, susceptibility to, 3. Also called: RAD51C-Related Breast/Ovarian Cancer. Identifiers: Orphanet 145, MedGen C3150659, MONDO:0013253, OMIM 613399.

Allele frequency attached by ClinVar (database versions not stated): gnomAD 0.00001; TOPMed 0.00002.

Submissions (6):

Labcorp Genetics (formerly Invitae), Labcorp
Classification: Uncertain significance for Fanconi anemia complementation group O. Last evaluated: 2024-10-29. Review status: criteria provided, single submitter. Criteria: Invitae Variant Classification Sherloc (09022015). Collection method: clinical testing. Allele origin: germline.
Comment: This sequence change replaces methionine, which is neutral and non-polar, with leucine, which is neutral and non-polar, at codon 10 of the RAD51C protein (p.Met10Leu). This variant is present in population databases (no rsID available, gnomAD 0.01%). This variant has not been reported in the literature in individuals affected with RAD51C-related conditions. ClinVar contains an entry for this variant (Variation ID: 482159). An algorithm developed to predict the effect of missense changes on protein structure and function (PolyPhen-2) suggests that this variant is likely to be tolerated. In summary, the available evidence is currently insufficient to determine the role of this variant in disease. Therefore, it has been classified as a Variant of Uncertain Significance.

Ambry Genetics
Classification: Uncertain significance for Hereditary cancer-predisposing syndrome. Last evaluated: 2024-06-05. Review status: criteria provided, single submitter. Criteria: Ambry Variant Classification Scheme 2023. Collection method: clinical testing. Allele origin: germline.
Comment: The p.M10L variant (also known as c.28A>T), located in coding exon 1 of the RAD51C gene, results from an A to T substitution at nucleotide position 28. The methionine at codon 10 is replaced by leucine, an amino acid with highly similar properties. This amino acid position is highly conserved in available vertebrate species. In addition, the in silico prediction for this alteration is inconclusive. Since supporting evidence is limited at this time, the clinical significance of this alteration remains unclear.

Baylor Genetics
Classification: Uncertain significance for Breast-ovarian cancer, familial, susceptibility to, 3. Last evaluated: 2023-10-26. Review status: criteria provided, single submitter. Criteria: ACMG Guidelines, 2015. Collection method: clinical testing. Allele origin: unknown.

Women's Health and Genetics/Laboratory Corporation of America, LabCorp
Classification: Uncertain significance. Last evaluated: 2023-06-26. Review status: criteria provided, single submitter. Criteria: LabCorp Variant Classification Summary - May 2015. Collection method: clinical testing. Allele origin: germline.
Comment: Variant summary: RAD51C c.28A>T (p.Met10Leu) results in a conservative amino acid change in the encoded protein sequence. Four of five in-silico tools predict a benign effect of the variant on protein function. The variant was absent in 251448 control chromosomes (gnomAD). The available data on variant occurrences in the general population are insufficient to allow any conclusion about variant significance. c.28A>T has been reported in the literature as a VUS in a setting of multigene panel testing in an individual affected with breast cancer, suspected of a hereditary cancer syndrome (Bishop_2020). This report does not provide unequivocal conclusions about association of the variant with Hereditary Breast And Ovarian Cancer Syndrome. To our knowledge, no experimental evidence demonstrating an impact on protein function has been reported. The following publication has been ascertained in the context of this evaluation (PMID: 32866190). Three submitters have cited clinical-significance assessments for this variant to ClinVar after 2014 and all classified the variant as uncertain significance. Based on the evidence outlined above, the variant was classified as uncertain significance.

Quest Diagnostics Nichols Institute San Juan Capistrano
Classification: Uncertain significance. Last evaluated: 2023-01-09. Review status: criteria provided, single submitter. Criteria: Quest Diagnostics criteria. Collection method: clinical testing. Allele origin: unknown.
Comment: The variant has not been reported in individuals with RAD51C-related conditions in the published literature. The frequency of this variant in the general population, 0.000032 (1/31382 chromosomes), is uninformative in assessment of its pathogenicity. Analysis of this variant using bioinformatics tools for the prediction of the effect of amino acid changes on protein structure and function yielded predictions that this variant is benign. Based on the available information, we are unable to determine the clinical significance of this variant.

Color Diagnostics, LLC DBA Color Health
Classification: Uncertain significance for Hereditary cancer-predisposing syndrome. Last evaluated: 2020-12-22. Review status: criteria provided, single submitter. Criteria: ACMG Guidelines, 2015. Collection method: clinical testing. Allele origin: germline.
Comment: This missense variant replaces methionine with leucine at codon 10 of the RAD51C protein. Computational prediction suggests that this variant may not impact protein structure and function (internally defined REVEL score threshold <= 0.5, PMID: 27666373). To our knowledge, functional studies have not been reported for this variant. This variant has not been reported in individuals affected with hereditary cancer in the literature. This variant has been identified in 1/31382 chromosomes in the general population by the Genome Aggregation Database (gnomAD). The available evidence is insufficient to determine the role of this variant in disease conclusively. Therefore, this variant is classified as a Variant of Uncertain Significance.

Literature cited by the submitters: PubMed 32866190 (cited by Women's Health and Genetics/Laboratory Corporation of America, LabCorp).

NM_058216.3(RAD51C):c.28A>T (p.Met10Leu)

Gene: RAD51C (RAD51 paralog C; plus strand). Cytogenetic location: 17q22.
Variant type: single nucleotide variant.
Coding change: c.28A>T on transcript NM_058216.3 (MANE Select); coding-DNA position 28, A replaced by T.
Protein change: p.Met10Leu; replaces methionine 10 with leucine.
Molecular consequence: missense variant. On other transcripts: non-coding transcript variant (2).
Genome position (GRCh38, 1-based): chr17:58,692,671, A>T. VCF-style: chr17-58692671-A-T. GRCh37 (hg19) VCF-style: chr17-56770032-A-T.
Other names: c.28A>T, p.Met10Leu (NM_002876.4); short protein forms M10L.
Identifiers: ClinVar variation 482159 (VCV000482159.18), dbSNP rs1452865935, ClinGen allele CA400336384.